The following is an entry in ClinVar:

NM_001370466.1(NOD2):c.2975G>A (p.Arg992Gln)

Genes: NOD2 (nucleotide binding oligomerization domain containing 2; plus strand), CYLD-AS1 (CYLD antisense RNA 1; minus strand). Cytogenetic location: 16q12.1.
Variant type: single nucleotide variant.
Coding change: c.2975G>A on transcript NM_001370466.1 (MANE Select); coding-DNA position 2975, G replaced by A.
Protein change: p.Arg992Gln; replaces arginine 992 with glutamine.
Molecular consequence: missense variant. On other transcripts: non-coding transcript variant (1).
Genome position (GRCh38, 1-based): chr16:50,731,752, G>A. VCF-style: chr16-50731752-G-A. GRCh37 (hg19) VCF-style: chr16-50765663-G-A.
Other names: c.2975G>A, p.Arg992Gln (NM_001293557.2); c.3056G>A, p.Arg1019Gln (NM_022162.3); short protein forms R992Q, R1019Q.
Identifiers: ClinVar variation 854593 (VCV000854593.10), dbSNP rs5743295, ClinGen allele CA8052068.
Genomic context (GRCh38, chr16:50,731,752, plus strand): 5'-AGCCCTGCTCTAATTTTGTCCTCACTCAAACCTCTGTTCACTTGATCTGCTTTAGGCTCC[G>A]AGGGAACACTTTCTCTCTAGAGGAGGTTGACAAGCTCGGCTGCAGGGACACCAGACTCTT-3'
Protein context (NP_001357395.1, residues 982-1002): RNDTILEVWL[Arg992Gln]GNTFSLEEVD

ClinVar aggregate classification (germline): Uncertain significance (1 of 4 stars; one submission).

Conditions:
Regional enteritis. Also called: Enteritis, Granulomatous. Identifiers: MedGen C0678202, MeSH D003424.
Blau syndrome (BLAUS). Also called: GRANULOMATOSIS, FAMILIAL JUVENILE SYSTEMIC; GRANULOMATOSIS, FAMILIAL, BLAU TYPE; GRANULOMATOUS INFLAMMATORY ARTHRITIS, DERMATITIS, AND UVEITIS, FAMILIAL; JABS SYNDROME; ARTHROCUTANEOUVEAL GRANULOMATOSIS. Identifiers: Orphanet 90340, MedGen C5201146, MONDO:0008523, OMIM 186580.

Allele frequency attached by ClinVar (database versions not stated): TOPMed 0.00005.
gnomAD v4.1: 32 of 1,612,514 alleles (0.002%); highest among the groups gnomAD compares: South Asian, 0.021%; no homozygotes.

Submission:

Labcorp Genetics (formerly Invitae), Labcorp
Classification: Uncertain significance for Regional enteritis; Blau syndrome. Last evaluated: 2025-12-29. Review status: criteria provided, single submitter. Criteria: Invitae Variant Classification Sherloc (09022015). Collection method: clinical testing. Allele origin: germline.
Comment: This sequence change replaces arginine, which is basic and polar, with glutamine, which is neutral and polar, at codon 1019 of the NOD2 protein (p.Arg1019Gln). This variant is present in population databases (rs5743295, gnomAD 0.02%). This variant has not been reported in the literature in individuals affected with NOD2-related conditions. ClinVar contains an entry for this variant (Variation ID: 854593). Invitae Evidence Modeling of protein sequence and biophysical properties (such as structural, functional, and spatial information, amino acid conservation, physicochemical variation, residue mobility, and thermodynamic stability) has been performed for this missense variant. However, the output from this modeling did not meet the statistical confidence thresholds required to predict the impact of this variant on NOD2 protein function. In summary, the available evidence is currently insufficient to determine the role of this variant in disease. Therefore, it has been classified as a Variant of Uncertain Significance.